The following is an entry in ClinVar:

NM_032802.4(SPPL2A):c.1381G>A (p.Gly461Arg)

Gene: SPPL2A (signal peptide peptidase like 2A; minus strand). Cytogenetic location: 15q21.2.
Variant type: single nucleotide variant.
Coding change: c.1381G>A on transcript NM_032802.4 (MANE Select); coding-DNA position 1381, G replaced by A.
Protein change: p.Gly461Arg; replaces glycine 461 with arginine.
Molecular consequence: missense variant.
Genome position (GRCh38, 1-based): chr15:50,720,047, C>T on the plus strand (G>A on the coding strand, the complement: SPPL2A is on the minus strand). VCF-style: chr15-50720047-C-T. GRCh37 (hg19) VCF-style: chr15-51012244-C-T.
Other names: short protein forms G461R.
Identifiers: ClinVar variation 3671780 (VCV003671780.2).

ClinVar aggregate classification (germline): Uncertain significance (1 of 4 stars; one submission).

Submission:

Labcorp Genetics (formerly Invitae), Labcorp
Classification: Uncertain significance. Last evaluated: 2024-08-08. Review status: criteria provided, single submitter. Criteria: Invitae Variant Classification Sherloc (09022015). Collection method: clinical testing. Allele origin: germline.
Comment: This sequence change replaces glycine, which is neutral and non-polar, with arginine, which is basic and polar, at codon 461 of the SPPL2A protein (p.Gly461Arg). This variant is not present in population databases (gnomAD no frequency). This variant has not been reported in the literature in individuals affected with SPPL2A-related conditions. An algorithm developed to predict the effect of missense changes on protein structure and function (PolyPhen-2) suggests that this variant is likely to be disruptive. In summary, the available evidence is currently insufficient to determine the role of this variant in disease. Therefore, it has been classified as a Variant of Uncertain Significance.